The following is an entry in ClinVar:

NM_002775.5(HTRA1):c.1120+5G>A

Gene: HTRA1 (HtrA serine peptidase 1; plus strand). Cytogenetic location: 10q26.13.
Variant type: single nucleotide variant.
Coding change: c.1120+5G>A on transcript NM_002775.5 (MANE Select); 5 bases into the intron after coding-DNA position 1120, G replaced by A.
Molecular consequence: intron variant.
Genome position (GRCh38, 1-based): chr10:122,508,775, G>A. VCF-style: chr10-122508775-G-A. GRCh37 (hg19) VCF-style: chr10-124268291-G-A.
Identifiers: ClinVar variation 2988257 (VCV002988257.3), dbSNP rs367566182, ClinGen allele CA214412668.

ClinVar aggregate classification (germline): Uncertain significance (1 of 4 stars; one submission).

Allele frequency attached by ClinVar (database versions not stated): gnomAD 0.00001; gnomAD exomes 0.00001; TOPMed 0.00002; ESP Exome Variant Server 0.00008.
gnomAD v4.1: 11 of 1,564,402 alleles (0.0007%); highest among the groups gnomAD compares: Non-Finnish European, 0.00088%; no homozygotes.

Submission:

Labcorp Genetics (formerly Invitae), Labcorp
Classification: Uncertain significance. Last evaluated: 2023-04-09. Review status: criteria provided, single submitter. Criteria: Invitae Variant Classification Sherloc (09022015). Collection method: clinical testing. Allele origin: germline.
Comment: This variant is present in population databases (rs367566182, gnomAD 0.0009%). This sequence change falls in intron 6 of the HTRA1 gene. It does not directly change the encoded amino acid sequence of the HTRA1 protein. It affects a nucleotide within the consensus splice site. In summary, the available evidence is currently insufficient to determine the role of this variant in disease. Therefore, it has been classified as a Variant of Uncertain Significance. Variants that disrupt the consensus splice site are a relatively common cause of aberrant splicing (PMID: 17576681, 9536098). Algorithms developed to predict the effect of sequence changes on RNA splicing suggest that this variant is not likely to affect RNA splicing. This variant has not been reported in the literature in individuals affected with HTRA1-related conditions.

Literature cited by the submitters: PubMed 17576681; PubMed 9536098.